The following is an entry in ClinVar:

ClinVar aggregate classification (germline): Uncertain significance (1 of 4 stars; one submission).

Conditions:
Atrioventricular septal defect 4 (AVSD4). Identifiers: MedGen C3280781, MONDO:0013747, OMIM 614430.

Submission:

Labcorp Genetics (formerly Invitae), Labcorp
Classification: Uncertain significance for Atrioventricular septal defect 4. Last evaluated: 2025-09-19. Review status: criteria provided, single submitter. Criteria: Invitae Variant Classification Sherloc (09022015). Collection method: clinical testing. Allele origin: germline.
Comment: This sequence change replaces threonine, which is neutral and polar, with serine, which is neutral and polar, at codon 279 of the GATA4 protein (p.Thr279Ser). This variant is not present in population databases (gnomAD no frequency). This missense change has been observed in individual(s) with dialated cardiomyopathy (PMID: 25017055). Invitae Evidence Modeling of protein sequence and biophysical properties (such as structural, functional, and spatial information, amino acid conservation, physicochemical variation, residue mobility, and thermodynamic stability) has been performed for this missense variant. However, the output from this modeling did not meet the statistical confidence thresholds required to predict the impact of this variant on GATA4 protein function. Experimental studies have shown that this missense change affects GATA4 function (PMID: 25017055). In summary, the available evidence is currently insufficient to determine the role of this variant in disease. Therefore, it has been classified as a Variant of Uncertain Significance.

Literature cited by the submitters: PubMed 25017055.

NM_001308093.3(GATA4):c.839C>G (p.Thr280Ser)

Gene: GATA4 (GATA binding protein 4). Cytogenetic location: 8p23.1.
Variant type: single nucleotide variant.
Coding change: c.839C>G on transcript NM_001308093.3 (MANE Select); coding-DNA position 839, C replaced by G.
Protein change: p.Thr280Ser; replaces threonine 280 with serine.
Molecular consequence: missense variant. On other transcripts: intron variant (1).
Genome position (GRCh38, 1-based): chr8:11,750,163, C>G. VCF-style: chr8-11750163-C-G. GRCh37 (hg19) VCF-style: chr8-11607672-C-G.
Other names: c.218C>G, p.Thr73Ser (NM_001308094.2, NM_001374273.1); c.836C>G, p.Thr279Ser (NM_002052.5); c.165+1078C>G (NM_001374274.1); short protein forms T73S, T280S, T279S.
Identifiers: ClinVar variation 4709985 (VCV004709985.1).